The following is an entry in ClinVar:

ClinVar aggregate classification (germline): Likely benign (1 of 4 stars; one submission).

gnomAD v4.1: 42 of 1,210,162 alleles (0.0035%); highest among the groups gnomAD compares: Admixed American, 0.087%; no homozygotes.

Submission:

CeGaT Center for Human Genetics Tuebingen
Classification: Likely benign. Last evaluated: 2026-08-01. Review status: criteria provided, single submitter. Criteria: CeGaT Center For Human Genetics Tuebingen Variant Classification Criteria Version 2. Collection method: clinical testing. Allele origin: germline. Affected: yes. Observed: 1 variant allele.
Comment: SASH3: BP4, BS2

NM_018990.4(SASH3):c.540C>A (p.Val180=)

Gene: SASH3 (SAM and SH3 domain containing 3; plus strand). Cytogenetic location: Xq26.1.
Variant type: single nucleotide variant.
Coding change: c.540C>A on transcript NM_018990.4 (MANE Select); coding-DNA position 540, C replaced by A.
Protein change: p.Val180=; no amino-acid change (valine 180 retained).
Molecular consequence: synonymous variant.
Genome position (GRCh38, 1-based): chrX:129,792,425, C>A. VCF-style: chrX-129792425-C-A. GRCh37 (hg19) VCF-style: chrX-128926401-C-A.
Identifiers: ClinVar variation 5040738 (VCV005040738.1).